The following is an entry in ClinVar:

NM_004637.6(RAB7A):c.248G>C (p.Cys83Ser)

Gene: RAB7A (RAB7A, member RAS oncogene family; plus strand). Cytogenetic location: 3q21.3.
Variant type: single nucleotide variant.
Coding change: c.248G>C on transcript NM_004637.6 (MANE Select); coding-DNA position 248, G replaced by C.
Protein change: p.Cys83Ser; replaces cysteine 83 with serine.
Molecular consequence: missense variant.
Genome position (GRCh38, 1-based): chr3:128,806,439, G>C. VCF-style: chr3-128806439-G-C. GRCh37 (hg19) VCF-style: chr3-128525282-G-C.
Other names: short protein forms C83S.
Identifiers: ClinVar variation 3772441 (VCV003772441.13).

ClinVar aggregate classification (germline): Uncertain significance (1 of 4 stars; one submission).

Submission:

CeGaT Center for Human Genetics Tuebingen
Classification: Uncertain significance. Last evaluated: 2025-03-01. Review status: criteria provided, single submitter. Criteria: CeGaT Center For Human Genetics Tuebingen Variant Classification Criteria Version 2. Collection method: clinical testing. Allele origin: germline. Affected: yes. Observed: 2 variant alleles.
Comment: RAB7A: PM1, PM2, PP2